The following is an entry in ClinVar:

ClinVar aggregate classification (germline): Conflicting classifications of pathogenicity. Review status: criteria provided, conflicting classifications (1 of 4 stars). 4 submissions from 4 submitters: Uncertain significance (2); Likely benign (2). Last evaluated 2026-02-01.

Conditions:
Inborn genetic diseases. Identifiers: MedGen C0950123, MeSH D030342.

Allele frequency attached by ClinVar (database versions not stated): ESP Exome Variant Server 0.00015; ExAC 0.00018; gnomAD exomes 0.00019 and 0.00028; gnomAD 0.00022 and 0.00024; TOPMed 0.00022.

Submissions (4):

Labcorp Genetics (formerly Invitae), Labcorp
Classification: Likely benign. Last evaluated: 2026-02-01. Review status: criteria provided, single submitter. Criteria: Invitae Variant Classification Sherloc (09022015). Collection method: clinical testing. Allele origin: germline.

Mayo Clinic Laboratories, Mayo Clinic
Classification: Uncertain significance. Last evaluated: 2025-10-18. Review status: criteria provided, single submitter. Criteria: ACMG Guidelines, 2015. Collection method: clinical testing. Allele origin: germline. Observed: 3 variant alleles.
Comment: BS1

Ambry Genetics
Classification: Likely benign for Inborn genetic diseases. Last evaluated: 2021-08-19. Review status: criteria provided, single submitter. Criteria: Ambry Variant Classification Scheme 2023. Collection method: clinical testing. Allele origin: germline.

GeneDx
Classification: Uncertain significance. Last evaluated: 2017-04-19. Review status: criteria provided, single submitter. Criteria: GeneDx Variant Classification (06012015). Collection method: clinical testing. Allele origin: germline. Affected: yes.
Comment: p.Gln418Glu (CAG>GAG): c.1252 C>G in exon 11 in the FOXRED1 gene (NM_017547.3). The Q418E variant in the FOXRED1 gene has not been published as a mutation, nor has it been reported as a benign polymorphism to our knowledge. The Q418E variant was not observed with any significant frequency in approximately 6500 individuals of European and African American ancestry in the NHLBI Exome Sequencing Project. The amino acid substitution is non-conservative in that an uncharged Glutamine residue is replaced by a negatively charged Glutamic acid residue. Q418E alters a position in the FOXRED1 protein that is conserved in mammals but several in-silico algorithms are not consistent in their predictions of whether or not Q418E is damaging to the FOXRED1 protein. Therefore, based on the currently available information, it is unclear whether Q418E is a disease-causing mutation or a rare benign variant. We interpret Q418E as a variant of unknown significance. The variant is found in MITONUC-MITOP panel(s).

NM_017547.4(FOXRED1):c.1252C>G (p.Gln418Glu)

Gene: FOXRED1 (FAD dependent oxidoreductase domain containing 1; plus strand). Cytogenetic location: 11q24.2.
Variant type: single nucleotide variant.
Coding change: c.1252C>G on transcript NM_017547.4 (MANE Select); coding-DNA position 1252, C replaced by G.
Protein change: p.Gln418Glu; replaces glutamine 418 with glutamic acid.
Molecular consequence: missense variant. On other transcripts: non-coding transcript variant (2).
Genome position (GRCh38, 1-based): chr11:126,277,480, C>G. VCF-style: chr11-126277480-C-G. GRCh37 (hg19) VCF-style: chr11-126147375-C-G.
Other names: p.Q418E:CAG>GAG; p.Gln418Glu; short protein forms Q418E.
Identifiers: ClinVar variation 214456 (VCV000214456.13), dbSNP rs201261500, ClinGen allele CA325412.